The following is an entry in ClinVar:

ClinVar aggregate classification (germline): Conflicting classifications of pathogenicity. Review status: criteria provided, conflicting classifications (1 of 4 stars). 2 submissions from 2 submitters: Uncertain significance (1); Likely benign (1). Last evaluated 2023-03-23.

Conditions:
Hereditary cancer-predisposing syndrome. Also called: Neoplastic Syndromes, Hereditary; Tumor predisposition; Hereditary Cancer Syndrome; Hereditary neoplastic syndrome. Identifiers: Orphanet 140162, MedGen C0027672, MeSH D009386, MONDO:0015356.

Submissions (2):

University of Washington Department of Laboratory Medicine, University of Washington
Classification: Likely benign for Hereditary cancer-predisposing syndrome. Last evaluated: 2023-03-23. Review status: criteria provided, single submitter. Criteria: Dines et al. (Genet Med. 2020). Collection method: curation. Allele origin: germline.
Comment: Missense variant in a coldspot region where missense variants are very unlikely to be pathogenic (PMID:31911673).

BRCA2 exon 11 coldspot. Reclassification based on statistical prior probability.

Ambry Genetics
Classification: Uncertain significance for Hereditary cancer-predisposing syndrome. Last evaluated: 2019-06-03. Review status: criteria provided, single submitter. Criteria: Ambry Variant Classification Scheme 2023. Collection method: clinical testing. Allele origin: germline.
Comment: The p.F1372L variant (also known as c.4114T>C), located in coding exon 10 of the BRCA2 gene, results from a T to C substitution at nucleotide position 4114. The phenylalanine at codon 1372 is replaced by leucine, an amino acid with highly similar properties. This amino acid position is not well conserved in available vertebrate species. In addition, this alteration is predicted to be tolerated by in silico analysis. Since supporting evidence is limited at this time, the clinical significance of this alteration remains unclear.

NM_000059.4(BRCA2):c.4114T>C (p.Phe1372Leu)

Gene: BRCA2 (BRCA2 DNA repair associated; plus strand). Cytogenetic location: 13q13.1.
Variant type: single nucleotide variant.
Coding change: c.4114T>C on transcript NM_000059.4 (MANE Select); coding-DNA position 4114, T replaced by C.
Protein change: p.Phe1372Leu; replaces phenylalanine 1372 with leucine.
Molecular consequence: missense variant.
Genome position (GRCh38, 1-based): chr13:32,338,469, T>C. VCF-style: chr13-32338469-T-C. GRCh37 (hg19) VCF-style: chr13-32912606-T-C.
Other names: c.4114T>C, p.Phe1372Leu (NM_001406719.1, NM_001406720.1); short protein forms F1372L.
Identifiers: ClinVar variation 1737950 (VCV001737950.4), dbSNP rs864622169, ClinGen allele CA387779301.